The following is an entry in ClinVar:

NM_001287.6(CLCN7):c.179G>A (p.Ser60Asn)

Gene: CLCN7 (chloride voltage-gated channel 7; minus strand). Cytogenetic location: 16p13.3.
Variant type: single nucleotide variant.
Coding change: c.179G>A on transcript NM_001287.6 (MANE Select); coding-DNA position 179, G replaced by A.
Protein change: p.Ser60Asn; replaces serine 60 with asparagine.
Molecular consequence: missense variant. On other transcripts: intron variant (1).
Genome position (GRCh38, 1-based): chr16:1,465,301, C>T on the plus strand (G>A on the coding strand, the complement: CLCN7 is on the minus strand). VCF-style: chr16-1465301-C-T. GRCh37 (hg19) VCF-style: chr16-1515302-C-T.
Other names: c.142-3627G>A (NM_001114331.3); short protein forms S60N.
Identifiers: ClinVar variation 2862592 (VCV002862592.3), dbSNP rs2038989876, ClinGen allele CA394193590.

ClinVar aggregate classification (germline): Uncertain significance (1 of 4 stars; one submission).

Submission:

Labcorp Genetics (formerly Invitae), Labcorp
Classification: Uncertain significance. Last evaluated: 2023-05-07. Review status: criteria provided, single submitter. Criteria: Invitae Variant Classification Sherloc (09022015). Collection method: clinical testing. Allele origin: germline.
Comment: In summary, the available evidence is currently insufficient to determine the role of this variant in disease. Therefore, it has been classified as a Variant of Uncertain Significance. Advanced modeling of protein sequence and biophysical properties (such as structural, functional, and spatial information, amino acid conservation, physicochemical variation, residue mobility, and thermodynamic stability) performed at Invitae indicates that this missense variant is not expected to disrupt CLCN7 protein function. This variant has not been reported in the literature in individuals affected with CLCN7-related conditions. This variant is not present in population databases (gnomAD no frequency). This sequence change replaces serine, which is neutral and polar, with asparagine, which is neutral and polar, at codon 60 of the CLCN7 protein (p.Ser60Asn).